The following is an entry in ClinVar:

ClinVar aggregate classification (germline): Uncertain significance (1 of 4 stars; one submission).

Conditions:
Retinitis pigmentosa 20 (RP20). Identifiers: Orphanet 791, MedGen C3151086, MONDO:0013425, OMIM 613794.

Submission:

Neuberg Centre For Genomic Medicine, NCGM
Classification: Uncertain significance for Retinitis pigmentosa 20. Last evaluated: 2024-02-01. Review status: criteria provided, single submitter. Criteria: ACMG Guidelines, 2015. Collection method: clinical testing. Allele origin: germline. Inheritance: Autosomal recessive inheritance.
Comment: The missense c.109T>A (p.Trp37Arg) variant in RPE65 gene has not been reported previously as a pathogenic variant nor as a benign variant, to our knowledge. The p.Trp37Arg variant is absent in gnomAD Exomes. This variant has not been submitted to the ClinVar database. Multiple lines of computational evidence (Polyphen - Probably damaging, SIFT – Damaging and Mutation Taster - Disease causing) predict a damaging effect on protein structure and function for this variant. The reference amino acid at this position on RPE65 gene is predicted as conserved by GERP++ and PhyloP across 100 vertebrates. The amino acid Trp at position 37 is changed to a Arg changing protein sequence and it might alter its composition and physico-chemical properties. For these reasons, this variant has been classified as Variant of Uncertain Significance (VUS). No second SNV/CNV detected in this RPE65 gene.

NM_000329.3(RPE65):c.109T>A (p.Trp37Arg)

Gene: RPE65 (retinoid isomerohydrolase RPE65; minus strand). Cytogenetic location: 1p31.3.
Variant type: single nucleotide variant.
Coding change: c.109T>A on transcript NM_000329.3 (MANE Select); coding-DNA position 109, T replaced by A.
Protein change: p.Trp37Arg; replaces tryptophan 37 with arginine.
Molecular consequence: missense variant. On other transcripts: 5 prime UTR variant (1), intron variant (1).
Genome position (GRCh38, 1-based): chr1:68,446,846, A>T on the plus strand (T>A on the coding strand, the complement: RPE65 is on the minus strand). VCF-style: chr1-68446846-A-T. GRCh37 (hg19) VCF-style: chr1-68912529-A-T.
Other names: c.109T>A, p.Trp37Arg (NM_001406853.1, NM_001406859.1, NM_001406860.1); c.-168T>A (NM_001406857.1); c.-32+1778T>A (NM_001406856.1); short protein forms W37R.
Identifiers: ClinVar variation 3897982 (VCV003897982.1).
Genomic context (GRCh38, chr1:68,446,846, plus strand): 5'-ATGGCTCAGATCCAACTTCAAAGAGTCCTGGCCCACATCGAAGGAGACTGCCGGTGAGCC[A>T]GAGGGGGATCCTGCCTGTGATGAAGGGGAGACAGAACATTGCTTCTTATCCCTGCCTTGG-3'
Protein context (NP_000320.1, residues 27-47): TAHVTGRIPL[Trp37Arg]LTGSLLRCGP